The following is an entry in ClinVar:

NM_000093.5(COL5A1):c.2188-11C>A

Gene: COL5A1 (collagen type V alpha 1 chain; plus strand). Cytogenetic location: 9q34.3.
Variant type: single nucleotide variant.
Coding change: c.2188-11C>A on transcript NM_000093.5 (MANE Select); 11 bases into the intron before coding-DNA position 2188, C replaced by A.
Molecular consequence: intron variant.
Genome position (GRCh38, 1-based): chr9:134,767,299, C>A. VCF-style: chr9-134767299-C-A. GRCh37 (hg19) VCF-style: chr9-137659145-C-A.
Other names: c.2188-11C>A (NM_001278074.1).
Identifiers: ClinVar variation 1919467 (VCV001919467.6), dbSNP rs760734470, ClinGen allele CA5319203.

ClinVar aggregate classification (germline): Likely benign. Review status: criteria provided, multiple submitters, no conflicts (2 of 4 stars). 2 submissions from 2 submitters: Likely benign (2). Last evaluated 2025-10-07.

Conditions:
Ehlers-Danlos syndrome, classic type, 1 (EDSCL1). Also called: Ehlers-Danlos syndrome, type 1; Ehlers-Danlos Syndrome, Classic Type, COL5A1-Related; EDS I; EHLERS-DANLOS SYNDROME, GRAVIS TYPE; EHLERS-DANLOS SYNDROME, SEVERE CLASSIC TYPE. Identifiers: MedGen C0268335, MONDO:0019567, OMIM 130000.

Allele frequency attached by ClinVar (database versions not stated): TOPMed below 0.00001; ExAC 0.00001.
gnomAD v4.1: 14 of 1,614,016 alleles (0.00087%); highest among the groups gnomAD compares: South Asian, 0.0011%; no homozygotes.

Submissions (2):

Women's Health and Genetics/Laboratory Corporation of America, LabCorp
Classification: Likely benign. Last evaluated: 2025-10-07. Review status: criteria provided, single submitter. Criteria: LabCorp Variant Classification Summary - May 2015. Collection method: clinical testing. Allele origin: germline.
Comment: Variant summary: COL5A1 c.2188-11C>A alters a nucleotide located at a position not widely known to affect splicing. Consensus agreement among computation tools predict no significant impact on normal splicing. However, these predictions have yet to be confirmed by functional studies. The variant allele was found at a frequency of 1.2e-05 in 251382 control chromosomes. The available data on variant occurrences in the general population are insufficient to allow any conclusion about variant significance. To our knowledge, no occurrence of c.2188-11C>A in individuals affected with COL5A1-related conditions and no experimental evidence demonstrating its impact on protein function have been reported. ClinVar contains an entry for this variant (Variation ID: 1919467). Based on the evidence outlined above, the variant was classified as likely benign.

Labcorp Genetics (formerly Invitae), Labcorp
Classification: Likely benign for Ehlers-Danlos syndrome, classic type, 1. Last evaluated: 2024-04-09. Review status: criteria provided, single submitter. Criteria: Invitae Variant Classification Sherloc (09022015). Collection method: clinical testing. Allele origin: germline.